The following is an entry in ClinVar:

NM_004183.4(BEST1):c.288G>C (p.Gln96His)

Gene: BEST1 (bestrophin 1; plus strand). Cytogenetic location: 11q12.3.
Variant type: single nucleotide variant.
Coding change: c.288G>C on transcript NM_004183.4 (MANE Select); coding-DNA position 288, G replaced by C.
Protein change: p.Gln96His; replaces glutamine 96 with histidine.
Molecular consequence: missense variant. On other transcripts: non-coding transcript variant (1).
Genome position (GRCh38, 1-based): chr11:61,955,758, G>C. VCF-style: chr11-61955758-G-C. GRCh37 (hg19) VCF-style: chr11-61723230-G-C.
Other names: c.108G>C, p.Gln36His (NM_001139443.3, NM_001300786.2, NM_001300787.2); c.-31G>C (NM_001363591.3); c.288G>C, p.Gln96His (NM_001363592.2); c.-888G>C (NM_001363593.3); short protein forms Q96H, Q36H.
Identifiers: ClinVar variation 99705 (VCV000099705.8), dbSNP rs281865226, ClinGen allele CA227758.

ClinVar aggregate classification (germline): Pathogenic. Review status: criteria provided, single submitter (1 of 4 stars). 2 submissions from 2 submitters: Pathogenic (1). 1 of the submissions does not count toward it. Last evaluated 2024-08-05.

Submissions (2):

Labcorp Genetics (formerly Invitae), Labcorp
Classification: Pathogenic. Last evaluated: 2024-08-05. Review status: criteria provided, single submitter. Criteria: Invitae Variant Classification Sherloc (09022015). Collection method: clinical testing. Allele origin: germline.
Comment: This sequence change replaces glutamine, which is neutral and polar, with histidine, which is basic and polar, at codon 96 of the BEST1 protein (p.Gln96His). This variant is not present in population databases (gnomAD no frequency). This missense change has been observed in individuals with autosomal dominant Best vitelliform macular dystrophy (PMID: 10394929, 20381869). ClinVar contains an entry for this variant (Variation ID: 99705). Advanced modeling of protein sequence and biophysical properties (such as structural, functional, and spatial information, amino acid conservation, physicochemical variation, residue mobility, and thermodynamic stability) performed at Invitae indicates that this missense variant is expected to disrupt BEST1 protein function with a positive predictive value of 95%. This variant disrupts the p.Gln96 amino acid residue in BEST1. Other variant(s) that disrupt this residue have been observed in individuals with BEST1-related conditions (PMID: 12565808, 23880862, 28559085), which suggests that this may be a clinically significant amino acid residue. For these reasons, this variant has been classified as Pathogenic.

Retina International
No classification provided. Review status: no classification provided. Collection method: not provided. Allele origin: not provided. Not counted in ClinVar's aggregate classification.

Literature cited by the submitters: PubMed 10394929 (cited by Labcorp Genetics (formerly Invitae), Labcorp); PubMed 20381869 (cited by Labcorp Genetics (formerly Invitae), Labcorp); PubMed 12565808 (cited by Labcorp Genetics (formerly Invitae), Labcorp); PubMed 23880862 (cited by Labcorp Genetics (formerly Invitae), Labcorp); PubMed 28559085 (cited by Labcorp Genetics (formerly Invitae), Labcorp).